The following is an entry in ClinVar:

ClinVar aggregate classification (germline): Benign. Review status: criteria provided, single submitter (1 of 4 stars). 2 submissions from 1 submitter: Benign (2). Last evaluated 2018-01-13.

Conditions:
Torsion dystonia 4. Also called: DYT-TUBB4A (Autosomal Dominant Torsion Dystonia); DYSTONIA MUSCULORUM DEFORMANS 4. Identifiers: Orphanet 98805, MedGen C1851943, MONDO:0007493, OMIM 128101.
Leukodystrophy, hypomyelinating, 6. Also called: LEUKODYSTROPHY, HYPOMYELINATING, WITH ATROPHY OF THE BASAL GANGLIA AND CEREBELLUM; TUBB4A-Associated Leukodystrophy; Hypomyelination with Atrophy of Basal Ganglia and Cerebellum (H-ABC). Identifiers: Orphanet 139441, MedGen C2676244, MONDO:0012905, OMIM 612438.

Allele frequency attached by ClinVar (database versions not stated): ExAC 0.00002; gnomAD exomes 0.00002 and 0.00003; TOPMed 0.00003.
gnomAD v4.1: 11 of 1,608,058 alleles (0.00068%); highest among the groups gnomAD compares: East Asian, 0.018%; no homozygotes.

Submissions (2):

Illumina Laboratory Services, Illumina
Classification: Benign for Leukodystrophy, hypomyelinating, 6. Last evaluated: 2018-01-13. Review status: criteria provided, single submitter. Criteria: ICSL Variant Classification Criteria 13 December 2019. Collection method: clinical testing. Allele origin: germline.
Comment: This variant was observed in the ICSL laboratory as part of a predisposition screen in an ostensibly healthy population. It had not been previously curated by ICSL or reported in the Human Gene Mutation Database (HGMD: prior to June 1st, 2018), and was therefore a candidate for classification through an automated scoring system. Utilizing variant allele frequency, disease prevalence and penetrance estimates, and inheritance mode, an automated score was calculated to assess if this variant is too frequent to cause the disease. Based on the score and internal cut-off values, a variant classified as benign is not then subjected to further curation. The score for this variant resulted in a classification of benign for this disease.

Illumina Laboratory Services, Illumina
Classification: Benign for Torsion dystonia 4. Last evaluated: 2018-01-13. Review status: criteria provided, single submitter. Criteria: ICSL Variant Classification Criteria 13 December 2019. Collection method: clinical testing. Allele origin: germline.
Comment: the same text as in the submission from Illumina Laboratory Services, Illumina above.

NM_006087.4(TUBB4A):c.*36C>G

Gene: TUBB4A (tubulin beta 4A class IVa; minus strand). Cytogenetic location: 19p13.3.
Variant type: single nucleotide variant.
Coding change: c.*36C>G on transcript NM_006087.4 (MANE Select); 36 bases downstream of the stop codon, C replaced by G.
Molecular consequence: 3 prime UTR variant.
Genome position (GRCh38, 1-based): chr19:6,495,128, G>C on the plus strand (C>G on the coding strand, the complement: TUBB4A is on the minus strand). VCF-style: chr19-6495128-G-C. GRCh37 (hg19) VCF-style: chr19-6495139-G-C.
Other names: c.*36C>G (NM_001289123.2, NM_001289127.2, NM_001289129.2 and 2 more transcripts).
Identifiers: ClinVar variation 894592 (VCV000894592.4), dbSNP rs759397360, ClinGen allele CA9127220.